The following is an entry in ClinVar:

NM_015001.3(SPEN):c.2600T>G (p.Ile867Arg)

Gene: SPEN (spen family transcriptional repressor; plus strand). Cytogenetic location: 1p36.13.
Variant type: single nucleotide variant.
Coding change: c.2600T>G on transcript NM_015001.3 (MANE Select); coding-DNA position 2600, T replaced by G.
Protein change: p.Ile867Arg; replaces isoleucine 867 with arginine.
Molecular consequence: missense variant.
Genome position (GRCh38, 1-based): chr1:15,928,840, T>G. VCF-style: chr1-15928840-T-G. GRCh37 (hg19) VCF-style: chr1-16255335-T-G.
Other names: short protein forms I867R.
Identifiers: ClinVar variation 4823367 (VCV004823367.4).

ClinVar aggregate classification (germline): Uncertain significance (1 of 4 stars; one submission).

Submission:

CeGaT Center for Human Genetics Tuebingen
Classification: Uncertain significance. Last evaluated: 2026-02-01. Review status: criteria provided, single submitter. Criteria: CeGaT Center For Human Genetics Tuebingen Variant Classification Criteria Version 2. Collection method: clinical testing. Allele origin: germline. Affected: yes. Observed: 1 variant allele.
Comment: SPEN: PM2, BP4